The following is an entry in ClinVar:

ClinVar aggregate classification (germline): Conflicting classifications of pathogenicity. Review status: criteria provided, conflicting classifications (1 of 4 stars). 3 submissions from 3 submitters: Uncertain significance (2); Likely benign (1). Last evaluated 2025-01-06.

Conditions:
Inborn genetic diseases. Identifiers: MedGen C0950123, MeSH D030342.

Allele frequency attached by ClinVar (database versions not stated): gnomAD exomes 0.00001; ExAC 0.00002; gnomAD 0.00005 and 0.00006; TOPMed 0.00015; 1000 Genomes Project 30x 0.00016; 1000 Genomes Project 0.00020.
gnomAD v4.1: 17 of 1,612,218 alleles (0.0011%); highest among the groups gnomAD compares: Admixed American, 0.022%; no homozygotes.

Submissions (3):

Labcorp Genetics (formerly Invitae), Labcorp
Classification: Uncertain significance. Last evaluated: 2025-01-06. Review status: criteria provided, single submitter. Criteria: Invitae Variant Classification Sherloc (09022015). Collection method: clinical testing. Allele origin: germline.
Comment: This sequence change replaces lysine, which is basic and polar, with arginine, which is basic and polar, at codon 141 of the CDT1 protein (p.Lys141Arg). This variant is present in population databases (rs559019677, gnomAD 0.003%). This variant has not been reported in the literature in individuals affected with CDT1-related conditions. ClinVar contains an entry for this variant (Variation ID: 1421858). An algorithm developed to predict the effect of missense changes on protein structure and function outputs the following: PolyPhen-2: "Benign". The arginine amino acid residue is found in multiple mammalian species, which suggests that this missense change does not adversely affect protein function. In summary, the available evidence is currently insufficient to determine the role of this variant in disease. Therefore, it has been classified as a Variant of Uncertain Significance.

Ambry Genetics
Classification: Likely benign for Inborn genetic diseases. Last evaluated: 2023-09-26. Review status: criteria provided, single submitter. Criteria: Ambry Variant Classification Scheme 2023. Collection method: clinical testing. Allele origin: germline.

Breakthrough Genomics
Classification: Uncertain significance. Review status: criteria provided, single submitter. Criteria: ACMG Guidelines, 2015. Collection method: not provided. Allele origin: germline. Inheritance: Autosomal recessive inheritance. Affected: yes.

NM_030928.4(CDT1):c.422A>G (p.Lys141Arg)

Gene: CDT1 (chromatin licensing and DNA replication factor 1; plus strand). Cytogenetic location: 16q24.3.
Variant type: single nucleotide variant.
Coding change: c.422A>G on transcript NM_030928.4 (MANE Select); coding-DNA position 422, A replaced by G.
Protein change: p.Lys141Arg; replaces lysine 141 with arginine.
Molecular consequence: missense variant.
Genome position (GRCh38, 1-based): chr16:88,804,832, A>G. VCF-style: chr16-88804832-A-G. GRCh37 (hg19) VCF-style: chr16-88871240-A-G.
Other names: c.422A>G (NM_030928.3); short protein forms K141R.
Identifiers: ClinVar variation 1421858 (VCV001421858.8), dbSNP rs559019677, ClinGen allele CA8233635.